The following is an entry in ClinVar:

ClinVar aggregate classification (germline): Likely benign. Review status: criteria provided, single submitter (1 of 4 stars). 2 submissions from 2 submitters: Likely benign (1). 1 of the submissions does not count toward it. Last evaluated 2025-07-21.

Conditions:
CSGALNACT1-related disorder. Also called: CSGALNACT1-related condition.

Allele frequency attached by ClinVar (database versions not stated): ExAC 0.00002; ESP Exome Variant Server 0.00008; TOPMed 0.00009; gnomAD 0.00011; 1000 Genomes Project 0.00040; 1000 Genomes Project 30x 0.00047.
gnomAD v4.1: 45 of 1,611,910 alleles (0.0028%); highest among the groups gnomAD compares: African/African-American, 0.043%; no homozygotes.

Submissions (2):

Labcorp Genetics (formerly Invitae), Labcorp
Classification: Likely benign. Last evaluated: 2025-07-21. Review status: criteria provided, single submitter. Criteria: Invitae Variant Classification Sherloc (09022015). Collection method: clinical testing. Allele origin: germline.

PreventionGenetics, part of Exact Sciences
Classification: Likely benign for CSGALNACT1-related condition. Last evaluated: 2019-02-21. Review status: no assertion criteria provided. Collection method: clinical testing. Allele origin: germline. Not counted in ClinVar's aggregate classification.
Comment: This variant is classified as likely benign based on ACMG/AMP sequence variant interpretation guidelines (Richards et al. 2015 PMID: 25741868, with internal and published modifications).

NM_001354483.2(CSGALNACT1):c.1206C>G (p.Val402=)

Gene: CSGALNACT1 (chondroitin sulfate N-acetylgalactosaminyltransferase 1; minus strand). Cytogenetic location: 8p21.3.
Variant type: single nucleotide variant.
Coding change: c.1206C>G on transcript NM_001354483.2 (MANE Select); coding-DNA position 1206, C replaced by G.
Protein change: p.Val402=; no amino-acid change (valine 402 retained).
Molecular consequence: synonymous variant. On other transcripts: non-coding transcript variant (7).
Genome position (GRCh38, 1-based): chr8:19,418,677, G>C on the plus strand (C>G on the coding strand, the complement: CSGALNACT1 is on the minus strand). VCF-style: chr8-19418677-G-C. GRCh37 (hg19) VCF-style: chr8-19276188-G-C.
Other names: c.1206C>G, p.Val402= (NM_001130518.2, NM_001354475.2, NM_001354476.2 and 18 more transcripts); c.1206C>G (NM_001130518.1).
Identifiers: ClinVar variation 1981870 (VCV001981870.6), dbSNP rs150541306, ClinGen allele CA4653865.